The following is an entry in ClinVar:

ClinVar aggregate classification (germline): Uncertain significance (1 of 4 stars; one submission).

Submission:

Labcorp Genetics (formerly Invitae), Labcorp
Classification: Uncertain significance. Last evaluated: 2024-01-31. Review status: criteria provided, single submitter. Criteria: Invitae Variant Classification Sherloc (09022015). Collection method: clinical testing. Allele origin: germline.
Comment: This variant results in a copy number gain of the genomic region encompassing exon(s) 5-6 of the SLC10A2 gene. This region includes the termination codon of the gene. This copy number gain extends beyond the assayed region for this gene and therefore may encompass additional genes. As the precise location of this event is unknown, it may be in tandem or it may be located elsewhere in the genome. This variant has not been reported in the literature in individuals affected with SLC10A2-related conditions. In summary, the available evidence is currently insufficient to determine the role of this variant in disease. Therefore, it has been classified as a Variant of Uncertain Significance.

NC_000013.10:g.(?_103698483)_(103701816_?)dup

Gene: SLC10A2 (solute carrier family 10 member 2; minus strand). Cytogenetic location: 13q33.1.
Variant type: Duplication.
Identifiers: ClinVar variation 2423118 (VCV002423118.4).